The following is an entry in ClinVar:

ClinVar aggregate classification (germline): Uncertain significance (1 of 4 stars; one submission).

Conditions:
Hereditary cancer-predisposing syndrome. Also called: Neoplastic Syndromes, Hereditary; Tumor predisposition; Hereditary neoplastic syndrome; Hereditary Cancer Syndrome. Identifiers: Orphanet 140162, MedGen C0027672, MeSH D009386, MONDO:0015356.

Submission:

Ambry Genetics
Classification: Uncertain significance for Hereditary cancer-predisposing syndrome. Last evaluated: 2018-09-27. Review status: criteria provided, single submitter. Criteria: Ambry Variant Classification Scheme 2023. Collection method: clinical testing. Allele origin: germline.
Comment: The p.S1558N variant (also known as c.4673G>A), located in coding exon 22 of the DICER1 gene, results from a G to A substitution at nucleotide position 4673. The serine at codon 1558 is replaced by asparagine, an amino acid with highly similar properties. This amino acid position is highly conserved in available vertebrate species. In addition, the in silico prediction for this alteration is inconclusive. Since supporting evidence is limited at this time, the clinical significance of this alteration remains unclear.

NM_177438.3(DICER1):c.4673G>A (p.Ser1558Asn)

Gene: DICER1 (dicer 1, ribonuclease III; minus strand). Cytogenetic location: 14q32.13.
Variant type: single nucleotide variant.
Coding change: c.4673G>A on transcript NM_177438.3 (MANE Select); coding-DNA position 4673, G replaced by A.
Protein change: p.Ser1558Asn; replaces serine 1558 with asparagine.
Molecular consequence: missense variant.
Genome position (GRCh38, 1-based): chr14:95,096,247, C>T on the plus strand (G>A on the coding strand, the complement: DICER1 is on the minus strand). VCF-style: chr14-95096247-C-T. GRCh37 (hg19) VCF-style: chr14-95562584-C-T.
Other names: c.4673G>A, p.Ser1558Asn (NM_001195573.1, NM_001271282.3, NM_001291628.2 and 1 more transcripts); short protein forms S1558N.
Identifiers: ClinVar variation 825087 (VCV000825087.4), dbSNP rs779823153, ClinGen allele CA390867552.